The following is an entry in ClinVar:

ClinVar aggregate classification (germline): Uncertain significance (1 of 4 stars; one submission).

Allele frequency attached by ClinVar (database versions not stated): TOPMed below 0.00001.

Submission:

Greenwood Genetic Center Diagnostic Laboratories, Greenwood Genetic Center
Classification: Uncertain significance. Last evaluated: 2023-04-04. Review status: criteria provided, single submitter. Criteria: ACMG Guidelines, 2015. Collection method: clinical testing. Allele origin: germline. Affected: yes.
Comment: Gene of Uncertain Significance

NM_002803.4(PSMC2):c.325C>T (p.Pro109Ser)

Genes: PSMC2 (proteasome 26S subunit, ATPase 2; plus strand), SLC26A5 (solute carrier family 26 member 5; minus strand). Cytogenetic location: 7q22.1.
Variant type: single nucleotide variant.
Coding change: c.325C>T on transcript NM_002803.4 (MANE Select); coding-DNA position 325, C replaced by T.
Protein change: p.Pro109Ser; replaces proline 109 with serine.
Molecular consequence: missense variant. On other transcripts: intron variant (4).
Genome position (GRCh38, 1-based): chr7:103,361,991, C>T. VCF-style: chr7-103361991-C-T. GRCh37 (hg19) VCF-style: chr7-103002438-C-T.
Other names: c.325C>T, p.Pro109Ser (NM_001204453.1); c.972-9065G>A (NM_206885.3); c.1946-9065G>A (NM_001321787.2); c.1515-9065G>A (NM_206884.3); c.2042-9065G>A (NM_206883.3); short protein forms P109S.
Identifiers: ClinVar variation 2572203 (VCV002572203.1), dbSNP rs1820441024, ClinGen allele CA368740038.